The following is an entry in ClinVar:

ClinVar aggregate classification (germline): Uncertain significance (1 of 4 stars; one submission).

gnomAD v4.1: 56 of 1,613,238 alleles (0.0035%); highest among the groups gnomAD compares: Middle Eastern, 0.049%; no homozygotes.

Submission:

CeGaT Center for Human Genetics Tuebingen
Classification: Uncertain significance. Last evaluated: 2024-02-01. Review status: criteria provided, single submitter. Criteria: CeGaT Center For Human Genetics Tuebingen Variant Classification Criteria Version 2. Collection method: clinical testing. Allele origin: germline. Affected: yes. Observed: 1 variant allele.
Comment: SUPT5H: PM2, BP4

NM_001111020.3(SUPT5H):c.3121-8A>C

Gene: SUPT5H (SPT5 homolog, DSIF elongation factor subunit; plus strand). Cytogenetic location: 19q13.2.
Variant type: single nucleotide variant.
Coding change: c.3121-8A>C on transcript NM_001111020.3 (MANE Select); 8 bases into the intron before coding-DNA position 3121, A replaced by C.
Molecular consequence: intron variant.
Genome position (GRCh38, 1-based): chr19:39,476,248, A>C. VCF-style: chr19-39476248-A-C. GRCh37 (hg19) VCF-style: chr19-39966888-A-C.
Other names: c.3109-8A>C (NM_001130825.2, NM_001319991.2); c.3121-8A>C (NM_001130824.2, NM_001319990.2, NM_003169.4).
Identifiers: ClinVar variation 3025330 (VCV003025330.22), dbSNP rs763845583, ClinGen allele CA9431474.